The following is an entry in ClinVar:

NM_002609.4(PDGFRB):c.572A>G (p.Lys191Arg)

Gene: PDGFRB (platelet derived growth factor receptor beta; minus strand). Cytogenetic location: 5q32.
Variant type: single nucleotide variant.
Coding change: c.572A>G on transcript NM_002609.4 (MANE Select); coding-DNA position 572, A replaced by G.
Protein change: p.Lys191Arg; replaces lysine 191 with arginine.
Molecular consequence: missense variant.
Genome position (GRCh38, 1-based): chr5:150,134,809, T>C on the plus strand (A>G on the coding strand, the complement: PDGFRB is on the minus strand). VCF-style: chr5-150134809-T-C. GRCh37 (hg19) VCF-style: chr5-149514372-T-C.
Other names: c.380A>G, p.Lys127Arg (NM_001355016.2); c.55A>G, p.Lys19Glu (NM_001355017.2); short protein forms K127R, K191R, K19E.
Identifiers: ClinVar variation 4057002 (VCV004057002.1).

ClinVar aggregate classification (germline): Uncertain significance (1 of 4 stars; one submission).

Submission:

GeneDx
Classification: Uncertain significance. Last evaluated: 2025-01-05. Review status: criteria provided, single submitter. Criteria: GeneDx Variant Classification Process June 2021. Collection method: clinical testing. Allele origin: germline. Affected: yes.
Comment: Not observed at significant frequency in large population cohorts (gnomAD); In silico analysis indicates that this missense variant does not alter protein structure/function; Has not been previously published as pathogenic or benign to our knowledge.